The following is an entry in ClinVar:

NM_182961.4(SYNE1):c.17519C>T (p.Ser5840Leu)

Genes: SYNE1 (spectrin repeat containing nuclear envelope protein 1; minus strand), LOC129997480 (ATAC-STARR-seq lymphoblastoid active region 25287; plus strand). Cytogenetic location: 6q25.2.
Variant type: single nucleotide variant.
Coding change: c.17519C>T on transcript NM_182961.4 (MANE Select); coding-DNA position 17519, C replaced by T.
Protein change: p.Ser5840Leu; replaces serine 5840 with leucine.
Molecular consequence: missense variant.
Genome position (GRCh38, 1-based): chr6:152,301,891, G>A on the plus strand (C>T on the coding strand, the complement: SYNE1 is on the minus strand). VCF-style: chr6-152301891-G-A. GRCh37 (hg19) VCF-style: chr6-152623026-G-A.
Other names: c.17306C>T, p.Ser5769Leu (NM_033071.5); c.17306C>T (NM_033071.3); short protein forms S5769L, S5840L.
Identifiers: ClinVar variation 499323 (VCV000499323.9), dbSNP rs375874029, ClinGen allele CA4055215.

ClinVar aggregate classification (germline): Uncertain significance. Review status: criteria provided, multiple submitters, no conflicts (2 of 4 stars). 3 submissions from 3 submitters: Uncertain significance (3). Last evaluated 2025-12-24.

Conditions:
SYNE1-related disorder. Also called: SYNE1-related disease; SYNE1-related condition; SYNE1-related disorders.

Allele frequency attached by ClinVar (database versions not stated): ExAC 0.00003; gnomAD 0.00003; gnomAD exomes 0.00003 and 0.00005; TOPMed 0.00003; ESP Exome Variant Server 0.00008.
gnomAD v4.1: 75 of 1,613,560 alleles (0.0046%); highest among the groups gnomAD compares: Middle Eastern, 0.016%; no homozygotes.

Submissions (3):

PreventionGenetics, part of Exact Sciences
Classification: Uncertain significance for SYNE1-related condition. Last evaluated: 2025-12-24. Review status: criteria provided, single submitter. Criteria: ACMG Guidelines, 2015. Collection method: clinical testing. Allele origin: germline.
Comment: The SYNE1 c.17306C>T variant is predicted to result in the amino acid substitution p.Ser5769Leu. To our knowledge, this variant has not been reported in the literature. This variant is reported in 0.0055% of alleles in individuals of European (Non-Finnish) descent in gnomAD. At this time, the clinical significance of this variant is uncertain due to the absence of conclusive functional and genetic evidence.

Revvity Omics, Revvity
Classification: Uncertain significance. Last evaluated: 2023-01-03. Review status: criteria provided, single submitter. Criteria: ACMG Guidelines, 2015. Collection method: clinical testing. Allele origin: germline.

Eurofins Ntd Llc (ga)
Classification: Uncertain significance. Last evaluated: 2017-09-29. Review status: criteria provided, single submitter. Criteria: EGL Classification Definitions 2015. Collection method: clinical testing. Allele origin: germline. Observed: 2 variant alleles, 2 heterozygotes.